The following is an entry in ClinVar:

NM_002470.4(MYH3):c.4949A>G (p.Gln1650Arg)

Gene: MYH3 (myosin heavy chain 3; minus strand). Cytogenetic location: 17p13.1.
Variant type: single nucleotide variant.
Coding change: c.4949A>G on transcript NM_002470.4 (MANE Select); coding-DNA position 4949, A replaced by G.
Protein change: p.Gln1650Arg; replaces glutamine 1650 with arginine.
Molecular consequence: missense variant.
Genome position (GRCh38, 1-based): chr17:10,632,483, T>C on the plus strand (A>G on the coding strand, the complement: MYH3 is on the minus strand). VCF-style: chr17-10632483-T-C. GRCh37 (hg19) VCF-style: chr17-10535800-T-C.
Other names: short protein forms Q1650R.
Identifiers: ClinVar variation 2007612 (VCV002007612.4), dbSNP rs2508571330, ClinGen allele CA398136097.
Genomic context (GRCh38, chr17:10,632,483, plus strand): 5'-TTTCTGAGTATGTGAGGAGGAGAGAGGTTTTTCCCCGATGGGTTCTCTCAAACCTTCAGC[T>C]GTCCCTGGACACTCCTGAGGTGTTTGAGGGTCTCCGCCGCCTGGCGGTTGGCGTGGCTCA-3'
Protein context (NP_002461.2, residues 1640-1660): TLKHLRSVQG[Gln1650Arg]LKDTQLHLDD

ClinVar aggregate classification (germline): Uncertain significance (1 of 4 stars; one submission).

Allele frequency attached by ClinVar (database versions not stated): gnomAD exomes below 0.00001.
gnomAD v4.1: 1 of 1,613,684 alleles (0.000062%); highest among the groups gnomAD compares: Non-Finnish European, 0.000085%; no homozygotes.

Submission:

Labcorp Genetics (formerly Invitae), Labcorp
Classification: Uncertain significance. Last evaluated: 2022-06-24. Review status: criteria provided, single submitter. Criteria: Invitae Variant Classification Sherloc (09022015). Collection method: clinical testing. Allele origin: germline.
Comment: This sequence change replaces glutamine, which is neutral and polar, with arginine, which is basic and polar, at codon 1650 of the MYH3 protein (p.Gln1650Arg). In summary, the available evidence is currently insufficient to determine the role of this variant in disease. Therefore, it has been classified as a Variant of Uncertain Significance. Algorithms developed to predict the effect of missense changes on protein structure and function are either unavailable or do not agree on the potential impact of this missense change (SIFT: "Deleterious"; PolyPhen-2: "Benign"; Align-GVGD: "Class C35"). This variant has not been reported in the literature in individuals affected with MYH3-related conditions. This variant is not present in population databases (gnomAD no frequency).